The following is an entry in ClinVar:

NM_001134673.4(NFIA):c.700+4A>T

Gene: NFIA (nuclear factor I A; plus strand). Cytogenetic location: 1p31.3.
Variant type: single nucleotide variant.
Coding change: c.700+4A>T on transcript NM_001134673.4 (MANE Select); 4 bases into the intron after coding-DNA position 700, A replaced by T.
Molecular consequence: intron variant.
Genome position (GRCh38, 1-based): chr1:61,332,590, A>T. VCF-style: chr1-61332590-A-T. GRCh37 (hg19) VCF-style: chr1-61798262-A-T.
Other names: c.676+4A>T (NM_001145511.2); c.835+4A>T (NM_001145512.2); c.700+4A>T (NM_005595.5).
Identifiers: ClinVar variation 2638853 (VCV002638853.24), dbSNP rs2525031815, ClinGen allele CA2574387987.

ClinVar aggregate classification (germline): Uncertain significance (1 of 4 stars; one submission).

gnomAD v4.1: 1 of 1,613,476 alleles (0.000062%); highest among the groups gnomAD compares: Non-Finnish European, 0.000085%; no homozygotes.

Submission:

CeGaT Center for Human Genetics Tuebingen
Classification: Uncertain significance. Last evaluated: 2023-07-01. Review status: criteria provided, single submitter. Criteria: CeGaT Center For Human Genetics Tuebingen Variant Classification Criteria Version 2. Collection method: clinical testing. Allele origin: germline. Affected: yes. Observed: 1 variant allele.
Comment: NFIA: PM2